The following is an entry in ClinVar:

ClinVar aggregate classification (germline): Uncertain significance (1 of 4 stars; one submission).

Conditions:
Pancytopenia due to IKZF1 mutations. Also called: Immunodeficiency, common variable, 13. Identifiers: Orphanet 317473, MedGen C4225173, MONDO:0014810, OMIM 616873.

Submission:

St. Jude Molecular Pathology, St. Jude Children's Research Hospital
Classification: Uncertain significance for Pancytopenia due to IKZF1 mutations. Last evaluated: 2023-02-27. Review status: criteria provided, single submitter. Criteria: St. Jude Assertion Criteria 2020. Collection method: clinical testing. Allele origin: germline.
Comment: The IKZF1 c.880G>C (p.Asp294His) missense change is absent in gnomAD v2.1.1. The in silico tool REVEL is inconclusive about a pathogenic or benign effect of this variant on protein function, and to our knowledge functional studies have not been performed. To our knowledge, this variant has not been reported in individuals with acute lymphoblastic leukemia or immunodeficiency. In summary, the evidence currently available is insufficient to determine the clinical significance of this variant. It has therefore been classified as of uncertain significance.

NM_006060.6(IKZF1):c.880G>C (p.Asp294His)

Gene: IKZF1 (IKAROS family zinc finger 1; plus strand). Cytogenetic location: 7p12.2.
Variant type: single nucleotide variant.
Coding change: c.880G>C on transcript NM_006060.6 (MANE Select); coding-DNA position 880, G replaced by C.
Protein change: p.Asp294His; replaces aspartic acid 294 with histidine.
Molecular consequence: missense variant.
Genome position (GRCh38, 1-based): chr7:50,399,947, G>C. VCF-style: chr7-50399947-G-C. GRCh37 (hg19) VCF-style: chr7-50467645-G-C.
Other names: c.754G>C, p.Asp252His (NM_001220765.3, NM_001291837.2); c.589G>C, p.Asp197His (NM_001220767.2); c.619G>C, p.Asp207His (NM_001220768.2, NM_001291838.2); c.463G>C, p.Asp155His (NM_001220770.2); c.451G>C, p.Asp151His (NM_001220771.2, NM_001291841.1); c.493G>C, p.Asp165His (NM_001291839.2); c.190G>C, p.Asp64His (NM_001291840.1); c.421G>C, p.Asp141His (NM_001291842.1); and 3 more; short protein forms D109H, D141H, D151H, D155H, D165H, D197H, D207H, D252H.
Identifiers: ClinVar variation 2444881 (VCV002444881.1), dbSNP rs773981346, ClinGen allele CA367523942.